The following is an entry in ClinVar:

ClinVar aggregate classification (germline): Uncertain significance. Review status: criteria provided, multiple submitters, no conflicts (2 of 4 stars). 2 submissions from 2 submitters: Uncertain significance (2). Last evaluated 2025-07-28.

Conditions:
Cardiomyopathy (CMYO). Also called: Cardiomyopathies. Identifiers: Orphanet 167848, MedGen C0878544, MONDO:0004994, HP:0001638. Inheritance: Various modes of inheritance.
Cardiovascular phenotype. Identifiers: MedGen CN230736.

Submissions (2):

Color Diagnostics, LLC DBA Color Health
Classification: Uncertain significance for Cardiomyopathy. Last evaluated: 2025-07-28. Review status: criteria provided, single submitter. Criteria: ACMG Guidelines, 2015. Collection method: clinical testing. Allele origin: germline.
Comment: This missense variant replaces proline with leucine at codon 2719 of the DSP protein. Computational prediction suggests that this variant may not impact protein structure and function. To our knowledge, functional studies have not been reported for this variant. This variant has not been reported in individuals affected with DSP-related disorders in the literature. This variant has not been identified in the general population by the Genome Aggregation Database (gnomAD). The available evidence is insufficient to determine the role of this variant in disease conclusively. Therefore, this variant is classified as a Variant of Uncertain Significance.

Ambry Genetics
Classification: Uncertain significance for Cardiovascular phenotype. Last evaluated: 2023-02-16. Review status: criteria provided, single submitter. Criteria: Ambry Variant Classification Scheme 2023. Collection method: clinical testing. Allele origin: germline.

NM_004415.4(DSP):c.8156C>T (p.Pro2719Leu)

Gene: DSP (desmoplakin; plus strand). Cytogenetic location: 6p24.3.
Variant type: single nucleotide variant.
Coding change: c.8156C>T on transcript NM_004415.4 (MANE Select); coding-DNA position 8156, C replaced by T.
Protein change: p.Pro2719Leu; replaces proline 2719 with leucine.
Molecular consequence: missense variant.
Genome position (GRCh38, 1-based): chr6:7,585,418, C>T. VCF-style: chr6-7585418-C-T. GRCh37 (hg19) VCF-style: chr6-7585651-C-T.
Other names: c.6359C>T, p.Pro2120Leu (NM_001008844.3); c.6827C>T, p.Pro2276Leu (NM_001319034.2); short protein forms P2276L, P2719L, P2120L.
Identifiers: ClinVar variation 2486227 (VCV002486227.3), dbSNP rs1759622362, ClinGen allele CA362694564.